The following is an entry in ClinVar:

ClinVar aggregate classification (germline): Uncertain significance (1 of 4 stars; one submission).

Conditions:
COG1 congenital disorder of glycosylation (CDG2G). Also called: CDG IIg; CDGII/COG1 CEREBROCOSTOMANDIBULAR-LIKE SYNDROME; CONGENITAL DISORDER OF GLYCOSYLATION, TYPE IIg. Identifiers: Orphanet 263508, MedGen C2931011, MONDO:0012637, OMIM 611209.

Submission:

Labcorp Genetics (formerly Invitae), Labcorp
Classification: Uncertain significance for COG1 congenital disorder of glycosylation. Last evaluated: 2021-07-17. Review status: criteria provided, single submitter. Criteria: Invitae Variant Classification Sherloc (09022015). Collection method: clinical testing. Allele origin: germline.
Comment: In summary, the available evidence is currently insufficient to determine the role of this variant in disease. Therefore, it has been classified as a Variant of Uncertain Significance. Algorithms developed to predict the effect of missense changes on protein structure and function output the following: SIFT: "Tolerated"; PolyPhen-2: "Benign"; Align-GVGD: "Class C0". The arginine amino acid residue is found in multiple mammalian species, which suggests that this missense change does not adversely affect protein function. This sequence change replaces glutamine with arginine at codon 508 of the COG1 protein (p.Gln508Arg). The glutamine residue is highly conserved and there is a small physicochemical difference between glutamine and arginine. This variant is not present in population databases (ExAC no frequency). This variant has not been reported in the literature in individuals affected with COG1-related conditions.

NM_018714.3(COG1):c.1523A>G (p.Gln508Arg)

Gene: COG1 (component of oligomeric golgi complex 1; plus strand). Cytogenetic location: 17q25.1.
Variant type: single nucleotide variant.
Coding change: c.1523A>G on transcript NM_018714.3 (MANE Select); coding-DNA position 1523, A replaced by G.
Protein change: p.Gln508Arg; replaces glutamine 508 with arginine.
Molecular consequence: missense variant.
Genome position (GRCh38, 1-based): chr17:73,201,350, A>G. VCF-style: chr17-73201350-A-G. GRCh37 (hg19) VCF-style: chr17-71197489-A-G.
Other names: short protein forms Q508R.
Identifiers: ClinVar variation 1427212 (VCV001427212.8), dbSNP rs2145097990, ClinGen allele CA400891928.
Genomic context (GRCh38, chr17:73,201,350, plus strand): 5'-CCTGGGTCAGCGTGGCAAACCGGGGTCAGTTTGCCAGTAGCGGCCTCTCCATGAAAGCAC[A>G]AGCCATCAGCCCTTGTGTACAGAACTTCTGTTCTGCCCTGGATTCTAAGCTGAAGGTTAA-3'
Protein context (NP_061184.1, residues 498-518): FASSGLSMKA[Gln508Arg]AISPCVQNFC